The following is an entry in ClinVar:

NM_004700.4(KCNQ4):c.1928G>T (p.Cys643Phe)

Gene: KCNQ4 (potassium voltage-gated channel subfamily Q member 4; plus strand). Cytogenetic location: 1p34.2.
Variant type: single nucleotide variant.
Coding change: c.1928G>T on transcript NM_004700.4 (MANE Select); coding-DNA position 1928, G replaced by T.
Protein change: p.Cys643Phe; replaces cysteine 643 with phenylalanine.
Molecular consequence: missense variant.
Genome position (GRCh38, 1-based): chr1:40,838,363, G>T. VCF-style: chr1-40838363-G-T. GRCh37 (hg19) VCF-style: chr1-41304035-G-T.
Other names: c.1766G>T, p.Cys589Phe (NM_172163.3); short protein forms C643F, C589F.
Identifiers: ClinVar variation 3717699 (VCV003717699.2).
Genomic context (GRCh38, chr1:40,838,363, plus strand): 5'-GTCCCCAGGTGCAGTCCATCGAGCACAAGCTGGACCTGCTGTTGGGCTTCTATTCGCGCT[G>T]CCTGCGCTCTGGCACCTCGGCCAGCCTGGGCGCCGTGCAAGTGCCGCTGTTCGACCCCGA-3'
Protein context (NP_004691.2, residues 633-653): LDLLLGFYSR[Cys643Phe]LRSGTSASLG

ClinVar aggregate classification (germline): Uncertain significance (1 of 4 stars; one submission).

gnomAD v4.1: 10 of 1,613,940 alleles (0.00062%); highest among the groups gnomAD compares: Non-Finnish European, 0.00085%; no homozygotes.

Submission:

Labcorp Genetics (formerly Invitae), Labcorp
Classification: Uncertain significance. Last evaluated: 2024-08-21. Review status: criteria provided, single submitter. Criteria: Invitae Variant Classification Sherloc (09022015). Collection method: clinical testing. Allele origin: germline.
Comment: This sequence change replaces cysteine, which is neutral and slightly polar, with phenylalanine, which is neutral and non-polar, at codon 643 of the KCNQ4 protein (p.Cys643Phe). This variant is not present in population databases (gnomAD no frequency). This variant has not been reported in the literature in individuals affected with KCNQ4-related conditions. Invitae Evidence Modeling of protein sequence and biophysical properties (such as structural, functional, and spatial information, amino acid conservation, physicochemical variation, residue mobility, and thermodynamic stability) indicates that this missense variant is not expected to disrupt KCNQ4 protein function with a negative predictive value of 80%. In summary, the available evidence is currently insufficient to determine the role of this variant in disease. Therefore, it has been classified as a Variant of Uncertain Significance.